The following is an entry in ClinVar:

NM_001164586.2(IGFN1):c.10800G>A (p.Val3600=)

Gene: IGFN1 (immunoglobulin like and fibronectin type III domain containing 1; plus strand). Cytogenetic location: 1q32.1.
Variant type: single nucleotide variant.
Coding change: c.10800G>A on transcript NM_001164586.2 (MANE Select); coding-DNA position 10800, G replaced by A.
Protein change: p.Val3600=; no amino-acid change (valine 3600 retained).
Molecular consequence: synonymous variant.
Genome position (GRCh38, 1-based): chr1:201,226,895, G>A. VCF-style: chr1-201226895-G-A. GRCh37 (hg19) VCF-style: chr1-201196023-G-A.
Other names: c.3429G>A, p.Val1143= (NM_001367841.1).
Identifiers: ClinVar variation 4872109 (VCV004872109.2).
Genomic context (GRCh38, chr1:201,226,895, plus strand): 5'-CTTCCTCGCTTTCTCACCCTCTTCTCTCACCCCGGCTTTCACCACAGACAGGTTCACAGT[G>A]AAGGCTCCGTGCTACCGGGAGCCCGACCTGAGCCAGAAGCCCCGGTTCCTGGTGGGCCTG-3'
Protein context (NP_001158058.1, residues 3590-3610): CIPRQRDRFT[Val3600=]KAPCYREPDL

ClinVar aggregate classification (germline): Likely benign (1 of 4 stars; one submission).

gnomAD v4.1: 316 of 1,589,776 alleles (0.02%); highest among the groups gnomAD compares: South Asian, 0.23%; 5 homozygotes.

Submission:

CeGaT Center for Human Genetics Tuebingen
Classification: Likely benign. Last evaluated: 2026-06-01. Review status: criteria provided, single submitter. Criteria: CeGaT Center For Human Genetics Tuebingen Variant Classification Criteria Version 2. Collection method: clinical testing. Allele origin: germline. Affected: yes. Observed: 1 variant allele.
Comment: IGFN1: BP4, BP7